The following is an entry in ClinVar:

NM_133259.4(LRPPRC):c.2056A>G (p.Ile686Val)

Gene: LRPPRC (leucine rich pentatricopeptide repeat containing; minus strand). Cytogenetic location: 2p21.
Variant type: single nucleotide variant.
Coding change: c.2056A>G on transcript NM_133259.4 (MANE Select); coding-DNA position 2056, A replaced by G.
Protein change: p.Ile686Val; replaces isoleucine 686 with valine.
Molecular consequence: missense variant.
Genome position (GRCh38, 1-based): chr2:43,947,280, T>C on the plus strand (A>G on the coding strand, the complement: LRPPRC is on the minus strand). VCF-style: chr2-43947280-T-C. GRCh37 (hg19) VCF-style: chr2-44174419-T-C.
Other names: short protein forms I686V.
Identifiers: ClinVar variation 989331 (VCV000989331.4), dbSNP rs750526576, ClinGen allele CA1638616.
Genomic context (GRCh38, chr2:43,947,280, plus strand): 5'-TGCCTTAATAATATTTAAATATTAAAACAAATGTTACCTCTTCTGAACAAAGCACTAATA[T>C]GAGTTGCTTTAGGACATCTCTTATAGGTTGATTTTCAGCTTTTAGTGTTTCAAGTGTGGA-3'
Protein context (NP_573566.2, residues 676-696): QPIRDVLKQL[Ile686Val]LVLCSEENMQ

ClinVar aggregate classification (germline): Uncertain significance (1 of 4 stars; one submission).

Conditions:
Leigh syndrome (NULS). Also called: Leigh's syndrome; Leigh Syndrome (mtDNA deletion); Leigh Disease; Subacute necrotizing encephalopathy; Necrotizing encephalopathy infantile subacute of Leigh; LEIGH SYNDROME, NUCLEAR. Identifiers: Orphanet 506, MedGen C2931891, MONDO:0009723, OMIM 256000.

Allele frequency attached by ClinVar (database versions not stated): gnomAD exomes below 0.00001 and 0.00001; ExAC 0.00002; gnomAD 0.00002; TOPMed 0.00005.
gnomAD v4.1: 8 of 1,583,014 alleles (0.00051%); highest among the groups gnomAD compares: African/African-American, 0.0067%; no homozygotes.

Submission:

Illumina Laboratory Services, Illumina
Classification: Uncertain significance for Leigh syndrome. Last evaluated: 2019-07-18. Review status: criteria provided, single submitter. Criteria: ICSLVariantClassificationCriteria RUGD 01 April 2020. Collection method: clinical testing. Allele origin: unknown.
Comment: The LRPPRC c.2056A>G (p.Ile686Val) variant is a missense variant. A literature search was performed for the gene, cDNA change, and amino acid change. No publications were found based on this search. This variant is reported at a frequency of 0.000012 in the Total population of the Genome Aggregation Database. Based on the limited evidence, the p.Ile686Val variant is classified as a variant of uncertain significance for Leigh syndrome.